The following is an entry in ClinVar:

ClinVar aggregate classification (germline): Uncertain significance. Review status: criteria provided, multiple submitters, no conflicts (2 of 4 stars). 2 submissions from 2 submitters: Uncertain significance (2). Last evaluated 2025-12-04.

Allele frequency attached by ClinVar (database versions not stated): gnomAD exomes below 0.00001.

Submissions (2):

Ambry Genetics
Classification: Uncertain significance. Last evaluated: 2025-12-04. Review status: criteria provided, single submitter. Criteria: Ambry Variant Classification Scheme 2023. Collection method: clinical testing. Allele origin: germline.

Labcorp Genetics (formerly Invitae), Labcorp
Classification: Uncertain significance. Last evaluated: 2023-05-16. Review status: criteria provided, single submitter. Criteria: Invitae Variant Classification Sherloc (09022015). Collection method: clinical testing. Allele origin: germline.
Comment: In summary, the available evidence is currently insufficient to determine the role of this variant in disease. Therefore, it has been classified as a Variant of Uncertain Significance. Advanced modeling of protein sequence and biophysical properties (such as structural, functional, and spatial information, amino acid conservation, physicochemical variation, residue mobility, and thermodynamic stability) performed at Invitae indicates that this missense variant is not expected to disrupt FZD2 protein function. This variant has not been reported in the literature in individuals affected with FZD2-related conditions. This variant is present in population databases (no rsID available, gnomAD no frequency). This sequence change replaces serine, which is neutral and polar, with alanine, which is neutral and non-polar, at codon 43 of the FZD2 protein (p.Ser43Ala).

NM_001466.4(FZD2):c.127T>G (p.Ser43Ala)

Gene: FZD2 (frizzled class receptor 2; plus strand). Cytogenetic location: 17q21.31.
Variant type: single nucleotide variant.
Coding change: c.127T>G on transcript NM_001466.4 (MANE Select); coding-DNA position 127, T replaced by G.
Protein change: p.Ser43Ala; replaces serine 43 with alanine.
Molecular consequence: missense variant.
Genome position (GRCh38, 1-based): chr17:44,557,815, T>G. VCF-style: chr17-44557815-T-G. GRCh37 (hg19) VCF-style: chr17-42635183-T-G.
Other names: c.127T>G (NM_001466.3); short protein forms S43A.
Identifiers: ClinVar variation 3017313 (VCV003017313.4), dbSNP rs1483406071, ClinGen allele CA399790052.